The following is an entry in ClinVar:

NM_003072.5(SMARCA4):c.2758G>A (p.Glu920Lys)

Gene: SMARCA4 (SWI/SNF related BAF chromatin remodeling complex subunit ATPase 4; plus strand). Cytogenetic location: 19p13.2.
Variant type: single nucleotide variant.
Coding change: c.2758G>A on transcript NM_003072.5 (MANE Select); coding-DNA position 2758, G replaced by A.
Protein change: p.Glu920Lys; replaces glutamic acid 920 with lysine.
Molecular consequence: missense variant. On other transcripts: non-coding transcript variant (1).
Genome position (GRCh38, 1-based): chr19:11,021,866, G>A. VCF-style: chr19-11021866-G-A. GRCh37 (hg19) VCF-style: chr19-11132542-G-A.
Other names: c.2758G>A, p.Glu920Lys (NM_001128844.3, NM_001128845.2, NM_001128846.2 and 6 more transcripts); short protein forms E920K.
Identifiers: ClinVar variation 4530281 (VCV004530281.2).

ClinVar aggregate classification (germline): Uncertain significance (1 of 4 stars; one submission).
ClinVar aggregate classification (somatic clinical impact): Tier I - Strong (1 of 4 stars; one submission).

Conditions:
Rhabdoid tumor predisposition syndrome 2 (RTPS2). Identifiers: Orphanet 231108, Orphanet 69077, MedGen C2750074, MONDO:0013224, OMIM 613325.
Medulloblastoma WNT activated. Identifiers: MedGen C4331965, MONDO:0850196.

Submissions (2):

Institute for Genomic Medicine (IGM) Clinical Laboratory, Nationwide Children's Hospital
Classification: Tier I - Strong for Medulloblastoma WNT activated. Assertion type: diagnostic. Clinical significance: supports diagnosis. Last evaluated: 2025-05-08. Review status: criteria provided, single submitter. Criteria: AMP/ASCO/CAP Guidelines, 2017. Collection method: clinical testing. Allele origin: somatic. Affected: yes.
Comment: Variant has Tier I (strong) clinical significance as a diagnostic inclusion criterion in medulloblastoma WNT activated, based on the following evidence: 1) Documented in one or more cancer databases (e.g., St. Jude Pecan, COSMIC, CIViC, OncoKB). 2) Appears in one or more well-established professional guidelines (e.g., World Health Organization [WHO]; National Comprehensive Cancer Network [NCCN]) as providing diagnostic, prognostic, or therapeutic information. 3) Diagnostic for a specific tumor type/classification based on well-powered studies with expert-level consensus (Evidence Level B; PMIDs: 21163964, 28726821, 22820256, 22832583, 22722829).

Labcorp Genetics (formerly Invitae), Labcorp
Classification: Uncertain significance for Rhabdoid tumor predisposition syndrome 2. Last evaluated: 2025-03-26. Review status: criteria provided, single submitter. Criteria: Invitae Variant Classification Sherloc (09022015). Collection method: clinical testing. Allele origin: germline.
Comment: This sequence change replaces glutamic acid, which is acidic and polar, with lysine, which is basic and polar, at codon 920 of the SMARCA4 protein (p.Glu920Lys). This variant is not present in population databases (gnomAD no frequency). This variant has not been reported in the literature in individuals affected with SMARCA4-related conditions. Invitae Evidence Modeling of protein sequence and biophysical properties (such as structural, functional, and spatial information, amino acid conservation, physicochemical variation, residue mobility, and thermodynamic stability) indicates that this missense variant is expected to disrupt SMARCA4 protein function with a positive predictive value of 95%. In summary, the available evidence is currently insufficient to determine the role of this variant in disease. Therefore, it has been classified as a Variant of Uncertain Significance.

Literature cited by the submitters: PubMed 21163964 (cited by Institute for Genomic Medicine (IGM) Clinical Laboratory, Nationwide Children's Hospital); PubMed 28726821 (cited by Institute for Genomic Medicine (IGM) Clinical Laboratory, Nationwide Children's Hospital); PubMed 22820256 (cited by Institute for Genomic Medicine (IGM) Clinical Laboratory, Nationwide Children's Hospital); PubMed 22832583 (cited by Institute for Genomic Medicine (IGM) Clinical Laboratory, Nationwide Children's Hospital); PubMed 22722829 (cited by Institute for Genomic Medicine (IGM) Clinical Laboratory, Nationwide Children's Hospital).